The following is an entry in ClinVar:

ClinVar aggregate classification (germline): Uncertain significance (1 of 4 stars; one submission).

Conditions:
Ehlers-Danlos syndrome, classic type, 1 (EDSCL1). Also called: EHLERS-DANLOS SYNDROME, GRAVIS TYPE; EHLERS-DANLOS SYNDROME, SEVERE CLASSIC TYPE; Ehlers-Danlos syndrome, type 1; Ehlers-Danlos Syndrome, Classic Type, COL5A1-Related; EDS I. Identifiers: MedGen C0268335, MONDO:0019567, OMIM 130000.

Allele frequency attached by ClinVar (database versions not stated): TOPMed 0.00001.

Submission:

Labcorp Genetics (formerly Invitae), Labcorp
Classification: Uncertain significance for Ehlers-Danlos syndrome, classic type, 1. Last evaluated: 2025-05-19. Review status: criteria provided, single submitter. Criteria: Invitae Variant Classification Sherloc (09022015). Collection method: clinical testing. Allele origin: germline.
Comment: This sequence change replaces isoleucine, which is neutral and non-polar, with threonine, which is neutral and polar, at codon 160 of the COL5A2 protein (p.Ile160Thr). This variant is not present in population databases (gnomAD no frequency). This variant has not been reported in the literature in individuals affected with COL5A2-related conditions. ClinVar contains an entry for this variant (Variation ID: 1424650). Invitae Evidence Modeling of protein sequence and biophysical properties (such as structural, functional, and spatial information, amino acid conservation, physicochemical variation, residue mobility, and thermodynamic stability) indicates that this missense variant is not expected to disrupt COL5A2 protein function with a negative predictive value of 95%. In summary, the available evidence is currently insufficient to determine the role of this variant in disease. Therefore, it has been classified as a Variant of Uncertain Significance.

NM_000393.5(COL5A2):c.479T>C (p.Ile160Thr)

Gene: COL5A2 (collagen type V alpha 2 chain; minus strand). Cytogenetic location: 2q32.2.
Variant type: single nucleotide variant.
Coding change: c.479T>C on transcript NM_000393.5 (MANE Select); coding-DNA position 479, T replaced by C.
Protein change: p.Ile160Thr; replaces isoleucine 160 with threonine.
Molecular consequence: missense variant.
Genome position (GRCh38, 1-based): chr2:189,092,398, A>G on the plus strand (T>C on the coding strand, the complement: COL5A2 is on the minus strand). VCF-style: chr2-189092398-A-G. GRCh37 (hg19) VCF-style: chr2-189957124-A-G.
Other names: short protein forms I160T.
Identifiers: ClinVar variation 1424650 (VCV001424650.8), dbSNP rs1177082898, ClinGen allele CA349861703.